The following is an entry in ClinVar:

ClinVar aggregate classification (germline): Likely pathogenic (1 of 4 stars; one submission).

Conditions:
Epidermolysis bullosa simplex 3, localized or generalized intermediate, with BP230 deficiency (EBS3). Also called: Epidermolysis bullosa simplex due to BP230 deficiency; Epidermolysis bullosa simplex, autosomal recessive 2. Identifiers: Orphanet 412181, MedGen C3809470, MONDO:0014180, OMIM 615425.
Hereditary sensory and autonomic neuropathy type 6. Also called: HSAN VI; Neuropathy, hereditary sensory and autonomic, type VI. Identifiers: Orphanet 314381, MedGen C3539003, MONDO:0013839, OMIM 614653.

Allele frequency attached by ClinVar (database versions not stated): gnomAD exomes below 0.00001.
gnomAD v4.1: 1 of 1,580,122 alleles (0.000063%); highest among the groups gnomAD compares: Non-Finnish European, 0.000087%; no homozygotes.

Submission:

Labcorp Genetics (formerly Invitae), Labcorp
Classification: Likely pathogenic for Epidermolysis bullosa simplex 3, localized or generalized intermediate, with BP230 deficiency; Hereditary sensory and autonomic neuropathy type 6. Last evaluated: 2018-07-01. Review status: criteria provided, single submitter. Criteria: Invitae Variant Classification Sherloc (09022015). Collection method: clinical testing. Allele origin: germline.
Comment: Algorithms developed to predict the effect of sequence changes on RNA splicing suggest that this variant may disrupt the consensus splice site, but this prediction has not been confirmed by published transcriptional studies. This variant has not been reported in the literature in individuals with DST-related disease. This variant is not present in population databases (ExAC no frequency). This sequence change affects a donor splice site in intron 17 of the DST gene. It is expected to disrupt RNA splicing and likely results in an absent or disrupted protein product. In summary, the currently available evidence indicates that the variant is pathogenic, but additional data are needed to prove that conclusively. Therefore, this variant has been classified as Likely Pathogenic. Donor and acceptor splice site variants typically lead to a loss of protein function (PMID: 16199547), and loss-of-function variants in DST are known to be pathogenic (PMID: 25059916).

Literature cited by the submitters: PubMed 16199547; PubMed 25059916.

NM_001374736.1(DST):c.4281+1G>A

Gene: DST (dystonin; minus strand). Cytogenetic location: 6p12.1.
Variant type: single nucleotide variant.
Coding change: c.4281+1G>A on transcript NM_001374736.1 (MANE Select); the canonical splice donor site of the intron after coding-DNA position 4281, G replaced by A.
Molecular consequence: splice donor variant.
Genome position (GRCh38, 1-based): chr6:56,630,244, C>T on the plus strand (G>A on the coding strand, the complement: DST is on the minus strand). VCF-style: chr6-56630244-C-T. GRCh37 (hg19) VCF-style: chr6-56495042-C-T.
Other names: c.4182+1G>A (NM_001144769.5); c.4281+1G>A (NM_001374722.1); c.4308+1G>A (NM_001374734.1); c.3768+1G>A (NM_001144770.2); c.3648+1G>A (NM_001374730.1, NM_001386100.1, NM_183380.4 and 1 more transcripts); c.2670+1G>A (NM_015548.5, NM_001723.7).
Identifiers: ClinVar variation 660548 (VCV000660548.7), dbSNP rs1587154269, ClinGen allele CA364574006.
Genomic context (GRCh38, chr6:56,630,244, plus strand): 5'-AGTGCTAGAGAAATACTTGTAGAATACGATATTTAAAAATATCCAAAAGTGAGTCTCATA[C>T]CTTTAAAGTACTTATTAGATTCTCAATATTATTCTTGTCAGCTATAACTGCTTCTTCTTC-3'